The following is an entry in ClinVar:

NM_000202.8(IDS):c.1463del (p.Met488fs)

Gene: IDS (iduronate 2-sulfatase; minus strand). Cytogenetic location: Xq28.
Variant type: Deletion.
Coding change: c.1463del on transcript NM_000202.8 (MANE Select); coding-DNA position 1463, one base deleted (T; older notation c.1463delT).
Protein change: p.Met488fs; shifts the reading frame from methionine 488.
Molecular consequence: frameshift variant.
Genome position (GRCh38, 1-based): chrX:149,482,936, A deleted on the plus strand (T on the coding strand, the reverse complement: IDS is on the minus strand). VCF-style (leftmost placement, unchanged base first): chrX-149482935-CA-C. GRCh37 (hg19) VCF-style: chrX-148564466-CA-C.
Other names: c.1193del, p.Met398fs (NM_001166550.4); short protein forms M398fs, M488fs.
Identifiers: ClinVar variation 221976 (VCV000221976.3), dbSNP rs869025307, ClinGen allele CA356957.
Genomic context (GRCh38, chrX:149,482,935, plus strand): 5'-ATCAGGATTGAAGCCAACCCACACAGTATACCTATAGTCTATGGTGCGTATGGAATAGCC[CA>C]TGATCTTTATATCTTTTAAACTCGGCTTGTCAGAATTCCACTGAGGGATGTCTGAAGGCC-3'

ClinVar aggregate classification (germline): Pathogenic. Review status: criteria provided, multiple submitters, no conflicts (2 of 4 stars). 2 submissions from 2 submitters: Pathogenic (2). Last evaluated 2024-06-07.

Conditions:
Mucopolysaccharidosis, MPS-II (MPS2). Also called: Hunter Syndrome; Mucopolysaccharidosis with skin involvement; Mucopolysaccharidosis type 2; IDURONATE 2-SULFATASE DEFICIENCY; Mucopolysaccharidosis Type II; IDS deficiency. Identifiers: Orphanet 580, Orphanet 79388, MedGen C0026705, MONDO:0010674, OMIM 309900.

Submissions (2):

Laboratory of Diagnosis and Therapy of Lysosomal Disorders, University of Padova
Classification: Pathogenic for Mucopolysaccharidosis, MPS-II. Last evaluated: 2024-06-07. Review status: criteria provided, single submitter. Criteria: ACMG Guidelines, 2015. Collection method: literature only. Allele origin: germline. Affected: yes. Observed: 2 variant alleles.
Comment: Null variant (PVS1_Strong), Absent from controls (or at low frequency) in gnomAD database (PM2_Moderate), Patient’s phenotype or family history highly specific for the disease (PP4_Strong)

Classification method: ACMG Guidelines [PMID:25741868] with modifications

MOLECULAR BIOLOGY LABORATORY, INSTITUTO NACIONAL DE PEDIATRIA
Classification: Pathogenic for Mucopolysaccharidosis, MPS-II. Last evaluated: 2015-10-18. Review status: criteria provided, single submitter. Criteria: ACMG Guidelines, 2007. Collection method: research. Allele origin: maternal. Affected: yes. Observed: 1 variant allele.

Literature cited by the submitters: PubMed 26762690 (cited by Laboratory of Diagnosis and Therapy of Lysosomal Disorders, University of Padova and MOLECULAR BIOLOGY LABORATORY, INSTITUTO NACIONAL DE PEDIATRIA); PubMed 24798265 (cited by Laboratory of Diagnosis and Therapy of Lysosomal Disorders, University of Padova).